The following is an entry in ClinVar:

NM_007215.4(POLG2):c.689+4T>C

Genes: MILR1 (mast cell immunoglobulin like receptor 1; plus strand), POLG2 (DNA polymerase gamma 2, accessory subunit; minus strand). Cytogenetic location: 17q23.3.
Variant type: single nucleotide variant.
Coding change: c.689+4T>C on transcript NM_007215.4 (MANE Select); 4 bases into the intron after coding-DNA position 689, T replaced by C.
Molecular consequence: intron variant.
Genome position (GRCh38, 1-based): chr17:64,492,891, A>G on the plus strand (T>C on the coding strand, the complement: POLG2 is on the minus strand). VCF-style: chr17-64492891-A-G. GRCh37 (hg19) VCF-style: chr17-62489008-A-G.
Identifiers: ClinVar variation 4754526 (VCV004754526.1).

ClinVar aggregate classification (germline): Uncertain significance (1 of 4 stars; one submission).

gnomAD v4.1: 1 of 1,613,984 alleles (0.000062%); highest among the groups gnomAD compares: African/African-American, 0.0013%; no homozygotes.

Submission:

Labcorp Genetics (formerly Invitae), Labcorp
Classification: Uncertain significance. Last evaluated: 2025-04-30. Review status: criteria provided, single submitter. Criteria: Invitae Variant Classification Sherloc (09022015). Collection method: clinical testing. Allele origin: germline.
Comment: This sequence change falls in intron 2 of the POLG2 gene. It does not directly change the encoded amino acid sequence of the POLG2 protein. It affects a nucleotide within the consensus splice site. This variant is not present in population databases (gnomAD no frequency). This variant has not been reported in the literature in individuals affected with POLG2-related conditions. Variants that disrupt the consensus splice site are a relatively common cause of aberrant splicing (PMID: 17576681, 9536098). Algorithms developed to predict the effect of sequence changes on RNA splicing suggest that this variant is not likely to affect RNA splicing. In summary, the available evidence is currently insufficient to determine the role of this variant in disease. Therefore, it has been classified as a Variant of Uncertain Significance.

Literature cited by the submitters: PubMed 17576681; PubMed 9536098.